The following is an entry in ClinVar:

NM_000321.3(RB1):c.202G>C (p.Asp68His)

Gene: RB1 (RB transcriptional corepressor 1; plus strand). Cytogenetic location: 13q14.2.
Variant type: single nucleotide variant.
Coding change: c.202G>C on transcript NM_000321.3 (MANE Select); coding-DNA position 202, G replaced by C.
Protein change: p.Asp68His; replaces aspartic acid 68 with histidine.
Molecular consequence: missense variant.
Genome position (GRCh38, 1-based): chr13:48,307,344, G>C. VCF-style: chr13-48307344-G-C. GRCh37 (hg19) VCF-style: chr13-48881480-G-C.
Other names: c.202G>C, p.Asp68His (NM_001407165.1, NM_001407166.1, NM_001407167.1); short protein forms D68H.
Identifiers: ClinVar variation 4757597 (VCV004757597.1).
Genomic context (GRCh38, chr13:48,307,344, plus strand): 5'-GAGTTTGAAGAAACAGAAGAACCTGATTTTACTGCATTATGTCAGAAATTAAAGATACCA[G>C]ATCATGTCAGAGAGAGAGCTTGGTTAACTTGGGAGAAAGTTTCATCTGTGGATGGAGTAT-3'
Protein context (NP_000312.2, residues 58-78): TALCQKLKIP[Asp68His]HVRERAWLTW

ClinVar aggregate classification (germline): Uncertain significance (1 of 4 stars; one submission).

Conditions:
Retinoblastoma (RB1). Also called: RETINOBLASTOMA, SOMATIC. Identifiers: Orphanet 790, MedGen C0035335, MeSH D012175, MONDO:0008380, OMIM 180200, HP:0009919. Disease mechanism: loss of function. Inheritance: Both sporadic and heritable forms are tested..

Submission:

Color Diagnostics, LLC DBA Color Health
Classification: Uncertain significance for Retinoblastoma. Last evaluated: 2025-06-30. Review status: criteria provided, single submitter. Criteria: ACMG Guidelines, 2015. Collection method: clinical testing. Allele origin: germline.
Comment: This missense variant replaces aspartic acid with histidine at codon 68 of the RB1 protein. Computational prediction is inconclusive regarding the impact of this variant on protein structure and function. To our knowledge, functional studies have not been reported for this variant. This variant has not been reported in individuals affected with RB1-related disorders in the literature. This variant has not been identified in the general population by the Genome Aggregation Database (gnomAD). The available evidence is insufficient to determine the role of this variant in disease conclusively. Therefore, this variant is classified as a Variant of Uncertain Significance.